The following is an entry in ClinVar:

NM_020223.4(FAM20C):c.6G>A (p.Lys2=)

Gene: FAM20C (FAM20C golgi associated secretory pathway kinase; plus strand). Cytogenetic location: 7p22.3.
Variant type: single nucleotide variant.
Coding change: c.6G>A on transcript NM_020223.4 (MANE Select); coding-DNA position 6, G replaced by A.
Protein change: p.Lys2=; no amino-acid change (lysine 2 retained).
Molecular consequence: synonymous variant.
Genome position (GRCh38, 1-based): chr7:193,205, G>A. VCF-style: chr7-193205-G-A. GRCh37 (hg19) VCF-style: chr7-193205-G-A.
Identifiers: ClinVar variation 709117 (VCV000709117.31), dbSNP rs749965678, ClinGen allele CA4108882.
Genomic context (GRCh38, chr7:193,205, plus strand): 5'-GCTAGAGGGGCGCGCGGGCAGAACGCGCTCCAGGCCCGGGCCGGCCCGCGCGGCCATGAA[G>A]ATGATGCTGGTGCGCCGGTTCCGCGTGCTCATCCTGATGGTGTTCCTGGTGGCCTGCGCG-3'
Protein context (NP_064608.2, residues 1-12): M[Lys2=]MMLVRRFRVL

ClinVar aggregate classification (germline): Likely benign. Review status: criteria provided, multiple submitters, no conflicts (2 of 4 stars). 3 submissions from 3 submitters: Likely benign (3). Last evaluated 2026-04-22.

Conditions:
FAM20C-related disorder. Also called: FAM20C-related condition.

Allele frequency attached by ClinVar (database versions not stated): ExAC 0.00030; gnomAD exomes 0.00040 and 0.00073; TOPMed 0.00043; gnomAD 0.00044 and 0.00047.
gnomAD v4.1: 1,018 of 1,458,740 alleles (0.07%); highest among the groups gnomAD compares: Non-Finnish European, 0.087%; 1 homozygote.

Submissions (3):

PreventionGenetics, part of Exact Sciences
Classification: Likely benign for FAM20C-related condition. Last evaluated: 2026-04-22. Review status: criteria provided, single submitter. Criteria: ACMG Guidelines, 2015. Collection method: clinical testing. Allele origin: germline.
Comment: This variant is classified as likely benign based on ACMG/AMP sequence variant interpretation guidelines (Richards et al. 2015 PMID: 25741868, with internal and published modifications).

Labcorp Genetics (formerly Invitae), Labcorp
Classification: Likely benign. Last evaluated: 2025-12-01. Review status: criteria provided, single submitter. Criteria: Invitae Variant Classification Sherloc (09022015). Collection method: clinical testing. Allele origin: germline.

CeGaT Center for Human Genetics Tuebingen
Classification: Likely benign. Last evaluated: 2023-12-01. Review status: criteria provided, single submitter. Criteria: CeGaT Center For Human Genetics Tuebingen Variant Classification Criteria Version 2. Collection method: clinical testing. Allele origin: germline. Affected: yes. Observed: 1 variant allele.
Comment: FAM20C: BP4, BP7